The following is an entry in ClinVar:

ClinVar aggregate classification (germline): Uncertain significance (1 of 4 stars; one submission).

Conditions:
Early-infantile DEE. Also called: Early infantile epileptic encephalopathy; Early infantile epileptic encephalopathy with suppression bursts; Ohtahara syndrome. Identifiers: Orphanet 1934, MedGen C0393706, MONDO:0800491.

Allele frequency attached by ClinVar (database versions not stated): TOPMed below 0.00001; gnomAD 0.00001.
gnomAD v4.1: 8 of 1,613,262 alleles (0.0005%); highest among the groups gnomAD compares: Non-Finnish European, 0.00068%; no homozygotes.

Submission:

Labcorp Genetics (formerly Invitae), Labcorp
Classification: Uncertain significance for Early-infantile DEE. Last evaluated: 2022-07-15. Review status: criteria provided, single submitter. Criteria: Invitae Variant Classification Sherloc (09022015). Collection method: clinical testing. Allele origin: germline.
Comment: This variant has not been reported in the literature in individuals affected with SCN8A-related conditions. This sequence change replaces histidine, which is basic and polar, with proline, which is neutral and non-polar, at codon 1054 of the SCN8A protein (p.His1054Pro). This variant is not present in population databases (gnomAD no frequency). ClinVar contains an entry for this variant (Variation ID: 406255). Algorithms developed to predict the effect of missense changes on protein structure and function are either unavailable or do not agree on the potential impact of this missense change (SIFT: "Deleterious"; PolyPhen-2: "Benign"; Align-GVGD: "Class C0"). In summary, the available evidence is currently insufficient to determine the role of this variant in disease. Therefore, it has been classified as a Variant of Uncertain Significance.

NM_001330260.2(SCN8A):c.3161A>C (p.His1054Pro)

Gene: SCN8A (sodium voltage-gated channel alpha subunit 8; plus strand). Cytogenetic location: 12q13.13.
Variant type: single nucleotide variant.
Coding change: c.3161A>C on transcript NM_001330260.2 (MANE Select); coding-DNA position 3161, A replaced by C.
Protein change: p.His1054Pro; replaces histidine 1054 with proline.
Molecular consequence: missense variant.
Genome position (GRCh38, 1-based): chr12:51,769,124, A>C. VCF-style: chr12-51769124-A-C. GRCh37 (hg19) VCF-style: chr12-52162908-A-C.
Other names: c.3161A>C, p.His1054Pro (NM_001177984.3, NM_001369788.1, NM_014191.4); short protein forms H1054P.
Identifiers: ClinVar variation 406255 (VCV000406255.9), dbSNP rs1060501009, ClinGen allele CA16613746.